The following is an entry in ClinVar:

NM_173076.3(ABCA12):c.2124A>G (p.Ala708=)

Gene: ABCA12 (ATP binding cassette subfamily A member 12; minus strand). Cytogenetic location: 2q35.
Variant type: single nucleotide variant.
Coding change: c.2124A>G on transcript NM_173076.3 (MANE Select); coding-DNA position 2124, A replaced by G.
Protein change: p.Ala708=; no amino-acid change (alanine 708 retained).
Molecular consequence: synonymous variant. On other transcripts: non-coding transcript variant (1).
Genome position (GRCh38, 1-based): chr2:215,011,647, T>C on the plus strand (A>G on the coding strand, the complement: ABCA12 is on the minus strand). VCF-style: chr2-215011647-T-C. GRCh37 (hg19) VCF-style: chr2-215876371-T-C.
Other names: c.1170A>G, p.Ala390= (NM_015657.4).
Identifiers: ClinVar variation 262823 (VCV000262823.17), dbSNP rs10198064, ClinGen allele CA2092027.

ClinVar aggregate classification (germline): Benign. Review status: criteria provided, multiple submitters, no conflicts (2 of 4 stars). 7 submissions from 7 submitters: Benign (7). Last evaluated 2026-02-04.

Conditions:
Congenital ichthyosis of skin. Identifiers: MedGen C0020758.

Allele frequency attached by ClinVar (database versions not stated): gnomAD exomes 0.10941 and 0.14967; ExAC 0.15195; gnomAD 0.24989 and 0.25857; ESP Exome Variant Server 0.26342; 1000 Genomes Project 0.27935; TOPMed 0.28137; 1000 Genomes Project 30x 0.29685.
gnomAD v4.1: 199,533 of 1,613,406 alleles (12%); highest among the groups gnomAD compares: African/African-American, 62%; 24,124 homozygotes.

Submissions (7):

Labcorp Genetics (formerly Invitae), Labcorp
Classification: Benign. Last evaluated: 2026-02-04. Review status: criteria provided, single submitter. Criteria: Invitae Variant Classification Sherloc (09022015). Collection method: clinical testing. Allele origin: germline.

Women's Health and Genetics/Laboratory Corporation of America, LabCorp
Classification: Benign. Last evaluated: 2025-09-14. Review status: criteria provided, single submitter. Criteria: LabCorp Variant Classification Summary - May 2015. Collection method: clinical testing. Allele origin: germline.

Blueprint Genetics
Classification: Benign. Last evaluated: 2024-11-26. Review status: criteria provided, single submitter. Criteria: ACMG Guidelines, 2015. Collection method: clinical testing. Allele origin: germline.

Illumina Laboratory Services, Illumina
Classification: Benign for Congenital ichthyosis of skin. Last evaluated: 2018-01-12. Review status: criteria provided, single submitter. Criteria: ICSL Variant Classification Criteria 13 December 2019. Collection method: clinical testing. Allele origin: germline.
Comment: This variant was observed in the ICSL laboratory as part of a predisposition screen in an ostensibly healthy population. It had not been previously curated by ICSL or reported in the Human Gene Mutation Database (HGMD: prior to June 1st, 2018), and was therefore a candidate for classification through an automated scoring system. Utilizing variant allele frequency, disease prevalence and penetrance estimates, and inheritance mode, an automated score was calculated to assess if this variant is too frequent to cause the disease. Based on the score and internal cut-off values, a variant classified as benign is not then subjected to further curation. The score for this variant resulted in a classification of benign for this disease.

GeneDx
Classification: Benign. Last evaluated: 2015-03-03. Review status: criteria provided, single submitter. Criteria: GeneDx Variant Classification Process June 2021. Collection method: clinical testing. Allele origin: germline. Affected: yes.

Breakthrough Genomics
Classification: Benign. Review status: criteria provided, single submitter. Criteria: ACMG Guidelines, 2015. Collection method: not provided. Allele origin: germline. Inheritance: Autosomal recessive inheritance. Affected: yes.

PreventionGenetics, part of Exact Sciences
Classification: Benign. Review status: criteria provided, single submitter. Criteria: ACMG Guidelines, 2015. Collection method: clinical testing. Allele origin: germline.